The following is an entry in ClinVar:

ClinVar aggregate classification (germline): Pathogenic/Likely pathogenic. Review status: criteria provided, multiple submitters, no conflicts (2 of 4 stars). 7 submissions from 7 submitters: Pathogenic (4); Likely pathogenic (2). 1 of the submissions does not count toward it. Last evaluated 2025-02-01.

Conditions:
Spastic paraplegia. Identifiers: MedGen C0037772, HP:0001258.
Neuropathy, hereditary sensory, type 2C. Also called: Hereditary sensory and autonomic neuropathy type IIC; KIF1A-Related HSAN2 (HSAN2C). Identifiers: Orphanet 970, MedGen C3280168, MONDO:0013634, OMIM 614213.
Hereditary spastic paraplegia 30. Identifiers: Orphanet 101010, MedGen C5235139, MONDO:0012476.
Intellectual disability, autosomal dominant 9 (NESCAVS). Also called: NESCAV SYNDROME; KIF1A-Related Neurodevelopmental Disorder. Identifiers: Orphanet 662367, MedGen C5393830, MONDO:0013656, OMIM 614255.

Submissions (7):

CeGaT Center for Human Genetics Tuebingen
Classification: Pathogenic. Last evaluated: 2025-02-01. Review status: criteria provided, single submitter. Criteria: CeGaT Center For Human Genetics Tuebingen Variant Classification Criteria Version 2. Collection method: clinical testing. Allele origin: germline. Affected: yes. Observed: 1 variant allele.
Comment: KIF1A: PS2, PM1, PM2, PM5, PS4:Moderate, PP2, PP3, PS3:Supporting

Victorian Clinical Genetics Services, Murdoch Childrens Research Institute
Classification: Pathogenic for Intellectual disability, autosomal dominant 9. Last evaluated: 2023-07-16. Review status: criteria provided, single submitter. Criteria: ACMG Guidelines, 2015. Collection method: clinical testing. Allele origin: germline. Inheritance: Autosomal dominant inheritance. Affected: yes.
Comment: Based on the classification scheme VCGS_Germline_v1.3.4, this variant is classified as Pathogenic. Following criteria are met: 0103 - Dominant negative, loss of function and gain of function are known mechanisms of disease in this gene. Dominant negative effect has been shown to cause NESCAV syndrome (MIM#614255; OMIM). Both loss of function and gain of function mechanisms have been reported for variants causing spastic paraplegia (MIM#610357, MIM#610357) and hereditary sensory and autonomic neuropathy type 2 (HSAN2; MIM#614213) (PMIDs: 31488895, 31455732). (I) 0108 - This gene is known to be associated with both recessive and dominant disease. Genotype-phenotype correlation is currently unestablished. Missense variants tend to cluster within the kinesin motor domain and have been reported for both SPG30 and NESCAV syndrome. Only the correlation for HSAN2 (MIM#614213) is established with all patients except for one carrying null variants outside the motor domain (PMID: 32737135). (I) 0200 - Variant is predicted to result in a missense amino acid change from arginine to histidine. (I) 0251 - This variant is heterozygous. (I) 0301 - Variant is absent from gnomAD (both v2 and v3). (SP) 0501 - Missense variant consistently predicted to be damaging by multiple in silico tools or highly conserved with a major amino acid change. (SP) 0602 - Variant is located in a hotspot region or cluster of pathogenic variants at the start of the kinesin motor domain (DECIPHER). (SP) 0702 - Other missense variants comparable to the one identified in this case have strong previous evidence for pathogenicity. p.(Arg13Leu), p.(Arg13Ser) and p.(Arg13Cys) have been classified as pathogenic or likely pathogenic by clinical laboratories in ClinVar. (SP) 0801 - This variant has strong previous evidence of pathogenicity in unrelated individuals. This variant has been classified as pathogenic and likely pathogenic by several clinical laboratories in ClinVar and has been observed in several individuals with hereditary spastic paraplegia or intellectual disability in the literature, including several de novo cases (PMIDs: 35303589, 34630504, 28834584, 35322241). (SP) 0905 - No published segregation evidence has been identified for this variant. (I) 1002 - This variant has moderate functional evidence supporting abnormal protein function. Functional studies have shown this variant disrupts the ability of KIF1A to bind to microtubules and prevents mobility of its motors (PMID: 33880452). (SP) 1208 - Inheritance information for this variant is not currently available in this individual. (I) Legend: (SP) - Supporting pathogenic, (I) - Information, (SB) - Supporting benign

Labcorp Genetics (formerly Invitae), Labcorp
Classification: Pathogenic for Hereditary spastic paraplegia 30; Neuropathy, hereditary sensory, type 2C; Intellectual disability, autosomal dominant 9. Last evaluated: 2023-02-08. Review status: criteria provided, single submitter. Criteria: Invitae Variant Classification Sherloc (09022015). Collection method: clinical testing. Allele origin: germline.
Comment: For these reasons, this variant has been classified as Pathogenic. Advanced modeling of protein sequence and biophysical properties (such as structural, functional, and spatial information, amino acid conservation, physicochemical variation, residue mobility, and thermodynamic stability) performed at Invitae indicates that this missense variant is expected to disrupt KIF1A protein function. ClinVar contains an entry for this variant (Variation ID: 209165). This missense change has been observed in individual(s) with KIF1A-related conditions (PMID: 28834584; ClinVarVariationID209165). In at least one individual the variant was observed to be de novo. This variant is not present in population databases (gnomAD no frequency). This sequence change replaces arginine, which is basic and polar, with histidine, which is basic and polar, at codon 13 of the KIF1A protein (p.Arg13His).

GeneDx
Classification: Pathogenic. Last evaluated: 2023-01-09. Review status: criteria provided, single submitter. Criteria: GeneDx Variant Classification Process June 2021. Collection method: clinical testing. Allele origin: germline. Affected: yes.
Comment: Not observed at significant frequency in large population cohorts (gnomAD); In silico analysis supports that this missense variant has a deleterious effect on protein structure/function; This variant is associated with the following publications: (PMID: 28834584, 26125038, 21820098, 21376300, 26633545, 35303589, 33880452, 34630504)

Revvity Omics, Revvity
Classification: Likely pathogenic. Last evaluated: 2022-05-10. Review status: criteria provided, single submitter. Criteria: ACMG Guidelines, 2015. Collection method: clinical testing. Allele origin: germline.

Baylor Genetics
Classification: Likely pathogenic for Spastic paraplegia. Last evaluated: 2013-07-19. Review status: criteria provided, single submitter. Criteria: Yang et al. 2013. Collection method: clinical testing. Allele origin: de novo. Inheritance: Autosomal dominant inheritance. Affected: yes. Observed: 1 variant allele, 1 heterozygote. Study: Adult_WES.

Solve-RD Consortium
Classification: Likely pathogenic for Spastic paraplegia 30A, autosomal dominant. Last evaluated: 2022-06-01. Review status: no assertion criteria provided. Collection method: provider interpretation. Allele origin: inherited. Affected: yes. Not counted in ClinVar's aggregate classification.
Comment: Variant confirmed as disease-causing by referring clinical team

Variant identified during reanalysis of unsolved cases by the Solve-RD project. The Solve-RD project has received funding from the European Union’s Horizon 2020 research and innovation programme under grant agreement No 779257.

Literature cited by the submitters: PubMed 28834584 (cited by Victorian Clinical Genetics Services, Murdoch Childrens Research Institute and Labcorp Genetics (formerly Invitae), Labcorp); PubMed 31455732 (cited by Victorian Clinical Genetics Services, Murdoch Childrens Research Institute); PubMed 31488895 (cited by Victorian Clinical Genetics Services, Murdoch Childrens Research Institute); PubMed 32737135 (cited by Victorian Clinical Genetics Services, Murdoch Childrens Research Institute); PubMed 33880452 (cited by Victorian Clinical Genetics Services, Murdoch Childrens Research Institute); PubMed 34630504 (cited by Victorian Clinical Genetics Services, Murdoch Childrens Research Institute); PubMed 35303589 (cited by Victorian Clinical Genetics Services, Murdoch Childrens Research Institute); PubMed 35322241 (cited by Victorian Clinical Genetics Services, Murdoch Childrens Research Institute); PubMed 209165 (cited by Labcorp Genetics (formerly Invitae), Labcorp); PubMed 26633545 (cited by Baylor Genetics); PubMed 39825153 (cited by Solve-RD Consortium).

NM_001244008.2(KIF1A):c.38G>A (p.Arg13His)

Gene: KIF1A (kinesin family member 1A; minus strand). Cytogenetic location: 2q37.3.
Variant type: single nucleotide variant.
Coding change: c.38G>A on transcript NM_001244008.2 (MANE Select); coding-DNA position 38, G replaced by A.
Protein change: p.Arg13His; replaces arginine 13 with histidine.
Molecular consequence: missense variant.
Genome position (GRCh38, 1-based): chr2:240,797,715, C>T on the plus strand (G>A on the coding strand, the complement: KIF1A is on the minus strand). VCF-style: chr2-240797715-C-T. GRCh37 (hg19) VCF-style: chr2-241737132-C-T.
Other names: c.38G>A, p.Arg13His (NM_001320705.2, NM_001330289.2, NM_001330290.2 and 20 more transcripts); c.38G>A (NM_001244008.1, NM_004321.7); short protein forms R13H.
Identifiers: ClinVar variation 209165 (VCV000209165.28), dbSNP rs797045050, ClinGen allele CA250361.